The following is an entry in ClinVar:

ClinVar aggregate classification (germline): Uncertain significance (1 of 4 stars; one submission).

Conditions:
Hereditary cancer-predisposing syndrome. Also called: Hereditary Cancer Syndrome; Neoplastic Syndromes, Hereditary; Tumor predisposition; Hereditary neoplastic syndrome. Identifiers: Orphanet 140162, MedGen C0027672, MeSH D009386, MONDO:0015356.

Allele frequency attached by ClinVar (database versions not stated): gnomAD exomes below 0.00001.

Submission:

Ambry Genetics
Classification: Uncertain significance for Hereditary cancer-predisposing syndrome. Last evaluated: 2022-01-15. Review status: criteria provided, single submitter. Criteria: Ambry Variant Classification Scheme 2023. Collection method: clinical testing. Allele origin: germline.
Comment: The p.A161V variant (also known as c.482C>T), located in coding exon 3 of the PHOX2B gene, results from a C to T substitution at nucleotide position 482. The alanine at codon 161 is replaced by valine, an amino acid with similar properties. This amino acid position is conserved. In addition, the in silico prediction for this alteration is inconclusive. Since supporting evidence is limited at this time, the clinical significance of this alteration remains unclear.

NM_003924.4(PHOX2B):c.482C>T (p.Ala161Val)

Gene: PHOX2B (paired like homeobox 2B; minus strand). Cytogenetic location: 4p13.
Variant type: single nucleotide variant.
Coding change: c.482C>T on transcript NM_003924.4 (MANE Select); coding-DNA position 482, C replaced by T.
Protein change: p.Ala161Val; replaces alanine 161 with valine.
Molecular consequence: missense variant.
Genome position (GRCh38, 1-based): chr4:41,746,270, G>A on the plus strand (C>T on the coding strand, the complement: PHOX2B is on the minus strand). VCF-style: chr4-41746270-G-A. GRCh37 (hg19) VCF-style: chr4-41748287-G-A.
Other names: short protein forms A161V.
Identifiers: ClinVar variation 1743413 (VCV001743413.2), dbSNP rs1188625548, ClinGen allele CA356738606.